The following is an entry in ClinVar:

NM_018297.4(NGLY1):c.1910del (p.Ser636_Leu637insTer)

Gene: NGLY1 (N-glycanase 1; minus strand). Cytogenetic location: 3p24.2.
Variant type: Deletion.
Coding change: c.1910del on transcript NM_018297.4 (MANE Select); coding-DNA position 1910, one base deleted (T; older notation c.1910delT).
Protein change: p.Ser636_Leu637insTer.
Molecular consequence: nonsense. On other transcripts: 3 prime UTR variant (1).
Genome position (GRCh38, 1-based): chr3:25,719,515, A deleted on the plus strand (T on the coding strand, the reverse complement: NGLY1 is on the minus strand); the first of 2 consecutive A bases (chr3:25,719,515-25,719,516); deleting either gives the same sequence. VCF-style (leftmost placement, unchanged base first): chr3-25719514-TA-T. GRCh37 (hg19) VCF-style: chr3-25761005-TA-T.
Other names: c.1856del, p.Ser618_Leu619insTer (NM_001145293.2); c.1784del, p.Ser594_Leu595insTer (NM_001145294.2); c.*55del (NM_001145295.2).
Identifiers: ClinVar variation 221582 (VCV000221582.3), dbSNP rs1135401730, ClinGen allele CA16044059.

ClinVar aggregate classification (germline): Likely pathogenic. Review status: criteria provided, single submitter (1 of 4 stars). 2 submissions from 2 submitters: Likely pathogenic (1). 1 of the submissions does not count toward it. Last evaluated 2019-03-21.

Conditions:
Congenital disorder of deglycosylation (CDDG). Identifiers: MedGen C3808991, MONDO:0031376.

Submissions (2):

GeneDx
Classification: Likely pathogenic. Last evaluated: 2019-03-21. Review status: criteria provided, single submitter. Criteria: GeneDx Variant Classification (06012015). Collection method: clinical testing. Allele origin: germline. Affected: yes.
Comment: A variant that is likely pathogenic has been identified in the NGLY1 gene. The L637X variant has been previously reported in a patient with a clinical diagnosis of NGLY1-CDDG who had a second variant on the opposite allele (Lam et al., 2017; Kong et al., 2017). The L637X variant is not observed in large population cohorts (Lek et al., 2016). L637X is predicted to cause loss of normal protein function through protein truncation as the last 18 amino acids are lost. Therefore, this variant is likely pathogenic; however, the possibility that it is benign cannot be excluded.

Medical Biochemical Genetics, National Human Genome institute, NIH, National Institutes of Health
Classification: Pathogenic for NGLY1-CDDG. Last evaluated: 2016-01-07. Review status: no assertion criteria provided. Collection method: clinical testing. Allele origin: inherited. Affected: yes. Observed: 1 variant allele. Not counted in ClinVar's aggregate classification.

Literature cited by the submitters: PubMed 27388694 (cited by Medical Biochemical Genetics, National Human Genome institute, NIH, National Institutes of Health); PubMed 25900930 (cited by Medical Biochemical Genetics, National Human Genome institute, NIH, National Institutes of Health).